The following is an entry in ClinVar:

NM_000075.4(CDK4):c.753del (p.Arg252fs)

Genes: CDK4 (cyclin dependent kinase 4; minus strand), TSPAN31 (tetraspanin 31; plus strand). Cytogenetic location: 12q14.1.
Variant type: Deletion.
Coding change: c.753del on transcript NM_000075.4 (MANE Select); coding-DNA position 753, one base deleted (C; older notation c.753delC).
Protein change: p.Arg252fs; shifts the reading frame from arginine 252.
Molecular consequence: frameshift variant. On other transcripts: 3 prime UTR variant (3).
Genome position (GRCh38, 1-based): chr12:57,749,248, G deleted on the plus strand (C on the coding strand, the reverse complement: CDK4 is on the minus strand); the first of 6 consecutive G bases (chr12:57,749,248-57,749,253); deleting any one gives the same sequence. VCF-style (leftmost placement, unchanged base first): chr12-57749247-TG-T. GRCh37 (hg19) VCF-style: chr12-58143030-TG-T.
Other names: c.*1963del (NM_001330168.2, NM_001330169.2, NM_005981.5); short protein forms R252fs.
Identifiers: ClinVar variation 1759430 (VCV001759430.3), dbSNP rs754187815, ClinGen allele CA919097581.

ClinVar aggregate classification (germline): Uncertain significance (1 of 4 stars; one submission).

Conditions:
Hereditary cancer-predisposing syndrome. Also called: Hereditary Cancer Syndrome; Hereditary neoplastic syndrome; Neoplastic Syndromes, Hereditary; Tumor predisposition. Identifiers: Orphanet 140162, MedGen C0027672, MeSH D009386, MONDO:0015356.

Submission:

Ambry Genetics
Classification: Uncertain significance for Hereditary cancer-predisposing syndrome. Last evaluated: 2026-07-31. Review status: criteria provided, single submitter. Criteria: Ambry Variant Classification Scheme 2023. Collection method: clinical testing. Allele origin: germline.
Comment: The c.753delC variant, located in coding exon 6 of the CDK4 gene, results from a deletion of one nucleotide at nucleotide position 753, causing a translational frameshift with a predicted alternate stop codon (p.R252Efs*25). This variant occurs at the 3' terminus of the gene and is not expected to trigger nonsense-mediated mRNA decay. Based on the available evidence, the clinical significance of this variant remains unclear.